The following is an entry in ClinVar:

NM_001242896.3(DEPDC5):c.4729_4730delinsCT (p.Thr1577Leu)

Gene: DEPDC5 (DEP domain containing 5, GATOR1 subcomplex subunit; plus strand). Cytogenetic location: 22q12.3.
Variant type: Indel.
Coding change: c.4729_4730delinsCT on transcript NM_001242896.3 (MANE Select); coding-DNA positions 4729 to 4730, AC replaced by CT.
Protein change: p.Thr1577Leu; replaces threonine 1577 with leucine.
Molecular consequence: missense variant. On other transcripts: non-coding transcript variant (5).
Genome position (GRCh38, 1-based): chr22:31,906,414-31,906,415, AC replaced by CT. VCF-style: chr22-31906414-AC-CT. GRCh37 (hg19) VCF-style: chr22-32302400-AC-CT.
Other names: c.4702_4703delinsCT, p.Thr1568Leu (NM_001136029.4); c.4429_4430delinsCT, p.Thr1477Leu (NM_001242897.2); c.4663_4664delinsCT, p.Thr1555Leu (NM_001363852.2, NM_001364320.2); c.4495_4496delinsCT, p.Thr1499Leu (NM_001363854.2, NM_001364319.2); c.4729_4730delinsCT, p.Thr1577Leu (NM_001364318.2); c.4645_4646delinsCT, p.Thr1549Leu (NM_001369901.1, NM_001369902.1); c.4636_4637delinsCT, p.Thr1546Leu (NM_001369903.1, NM_014662.6); short protein forms T1549L, T1555L, T1477L, T1577L, T1499L, T1546L, T1568L.
Identifiers: ClinVar variation 1481371 (VCV001481371.6), dbSNP rs2149449846, ClinGen allele CA2573158061.

ClinVar aggregate classification (germline): Uncertain significance (1 of 4 stars; one submission).

Conditions:
Familial focal epilepsy with variable foci (FPEVF). Identifiers: Orphanet 98820, MedGen C1858477, MONDO:0020310.

Submission:

Labcorp Genetics (formerly Invitae), Labcorp
Classification: Uncertain significance for Familial focal epilepsy with variable foci. Last evaluated: 2021-12-08. Review status: criteria provided, single submitter. Criteria: Invitae Variant Classification Sherloc (09022015). Collection method: clinical testing. Allele origin: germline.
Comment: This sequence change replaces threonine, which is neutral and polar, with leucine, which is neutral and non-polar, at codon 1577 of the DEPDC5 protein (p.Thr1577Leu). Information on the frequency of this variant in the gnomAD database is not available, as this variant may be reported differently in the database. This variant has not been reported in the literature in individuals affected with DEPDC5-related conditions. Experimental studies and prediction algorithms are not available or were not evaluated, and the functional significance of this variant is currently unknown. In summary, the available evidence is currently insufficient to determine the role of this variant in disease. Therefore, it has been classified as a Variant of Uncertain Significance.